The following is an entry in ClinVar:

NC_000009.12:g.105644735A>C

Gene: FKTN (fukutin; plus strand). Cytogenetic location: 9q31.2.
Variant type: single nucleotide variant.
Genome position: GRCh38 VCF-style: chr9-105644735-A-C. GRCh37 (hg19) VCF-style: chr9-108407016-A-C.
Identifiers: ClinVar variation 2499100 (VCV002499100.28), dbSNP rs148011276, ClinGen allele CA198220093.

ClinVar aggregate classification (germline): Likely benign (1 of 4 stars; one submission).

Allele frequency attached by ClinVar (database versions not stated): gnomAD 0.00154; TOPMed 0.00161; 1000 Genomes Project 30x 0.00172; 1000 Genomes Project 0.00200.

Submission:

CeGaT Center for Human Genetics Tuebingen
Classification: Likely benign. Last evaluated: 2026-04-01. Review status: criteria provided, single submitter. Criteria: CeGaT Center For Human Genetics Tuebingen Variant Classification Criteria Version 2. Collection method: clinical testing. Allele origin: germline. Affected: yes. Observed: 3 variant alleles.
Comment: FKTN: BP4, BP7